The following is an entry in ClinVar:

NM_001330751.2(PPARGC1A):c.48T>A (p.Leu16=)

Gene: PPARGC1A (PPARG coactivator 1 alpha; minus strand). Cytogenetic location: 4p15.2.
Variant type: single nucleotide variant.
Coding change: c.48T>A on transcript NM_001330751.2; coding-DNA position 48, T replaced by A.
Protein change: p.Leu16=; no amino-acid change (leucine 16 retained).
Molecular consequence: synonymous variant. On other transcripts: non-coding transcript variant (2), intron variant (2).
Genome position (GRCh38, 1-based): chr4:24,091,489, A>T on the plus strand (T>A on the coding strand, the complement: PPARGC1A is on the minus strand). VCF-style: chr4-24091489-A-T. GRCh37 (hg19) VCF-style: chr4-24093112-A-T.
Other names: c.48T>A, p.Leu16= (NM_001354825.2, NM_001354827.2); c.18+166714T>A (NM_001330752.2); c.-432+166714T>A (NM_001354826.2).
Identifiers: ClinVar variation 3052687 (VCV003052687.2), dbSNP rs571505656, ClinGen allele CA94229244.

ClinVar aggregate classification (germline): Likely benign (0 of 4 stars; one submission).

Conditions:
PPARGC1A-related disorder. Also called: PPARGC1A-related condition.

Allele frequency attached by ClinVar (database versions not stated): gnomAD 0.00009; 1000 Genomes Project 0.00020; TOPMed 0.00010; 1000 Genomes Project 30x 0.00016; gnomAD exomes 0.00001.
gnomAD v4.1: 23 of 985,346 alleles (0.0023%); highest among the groups gnomAD compares: East Asian, 0.23%; no homozygotes.

Submission:

PreventionGenetics, part of Exact Sciences
Classification: Likely benign for PPARGC1A-related condition. Last evaluated: 2019-08-21. Review status: no assertion criteria provided. Collection method: clinical testing. Allele origin: germline.
Comment: This variant is classified as likely benign based on ACMG/AMP sequence variant interpretation guidelines (Richards et al. 2015 PMID: 25741868, with internal and published modifications).